The following is an entry in ClinVar:

NM_001146312.3(MYOCD):c.422A>T (p.Gln141Leu)

Gene: MYOCD (myocardin; plus strand). Cytogenetic location: 17p12.
Variant type: single nucleotide variant.
Coding change: c.422A>T on transcript NM_001146312.3 (MANE Select); coding-DNA position 422, A replaced by T.
Protein change: p.Gln141Leu; replaces glutamine 141 with leucine.
Molecular consequence: missense variant.
Genome position (GRCh38, 1-based): chr17:12,736,167, A>T. VCF-style: chr17-12736167-A-T. GRCh37 (hg19) VCF-style: chr17-12639484-A-T.
Other names: c.185A>T, p.Gln62Leu (NM_001378306.1); c.422A>T, p.Gln141Leu (NM_153604.4); short protein forms Q141L, Q62L.
Identifiers: ClinVar variation 4850740 (VCV004850740.1).

ClinVar aggregate classification (germline): Likely pathogenic (1 of 4 stars; one submission).

Conditions:
Megabladder, congenital. Identifiers: MedGen C5231472, MONDO:0032879, OMIM 618719.

gnomAD v4.1: 1 of 1,614,002 alleles (0.000062%); no homozygotes.

Submission:

Variantyx, Inc.
Classification: Likely pathogenic for Megabladder, congenital. Last evaluated: 2025-09-09. Review status: criteria provided, single submitter. Criteria: Variantyx Assertion Criteria 2022. Collection method: clinical testing. Allele origin: de novo. Inheritance: Autosomal dominant inheritance. Affected: yes.
Comment: This is a nonsynonymous variant in the MYOCD gene (OMIM: 606127). Pathogenic variants in this gene have been associated with autosomal dominant congenital megabladder. This variant has not been reported in individuals with MYOCD-related disorders in the databases available for review, and it is absent from control populations (PM2). Multiple computational algorithms predict no functional impact for this variant (REVEL score: 0.157) (BP4_Moderate). The clinical symptoms reported for this individual are highly specific for autosomal dominant congenital megabladder, which has a limited genetic etiology (PMID: 37594370) (PP4). Based on the current evidence, this variant is classified as likely pathogenic for autosomal dominant congenital megabladder.